The following is an entry in ClinVar:

ClinVar aggregate classification (germline): Uncertain significance (1 of 4 stars; one submission).

Conditions:
Hereditary cancer-predisposing syndrome. Also called: Neoplastic Syndromes, Hereditary; Tumor predisposition; Hereditary Cancer Syndrome; Hereditary neoplastic syndrome. Identifiers: Orphanet 140162, MedGen C0027672, MeSH D009386, MONDO:0015356.

Submission:

Ambry Genetics
Classification: Uncertain significance for Hereditary cancer-predisposing syndrome. Last evaluated: 2026-04-20. Review status: criteria provided, single submitter. Criteria: Ambry Variant Classification Scheme 2023. Collection method: clinical testing. Allele origin: germline.
Comment: The p.L104P variant (also known as c.311T>C), located in coding exon 3 of the EPCAM gene, results from a T to C substitution at nucleotide position 311. The leucine at codon 104 is replaced by proline, an amino acid with similar properties. This amino acid position is conserved. In addition, this alteration is predicted to be tolerated by in silico analysis. Based on the available evidence, the clinical significance of this variant remains unclear.

NM_002354.3(EPCAM):c.311T>C (p.Leu104Pro)

Gene: EPCAM (epithelial cell adhesion molecule; plus strand). Cytogenetic location: 2p21.
Variant type: single nucleotide variant.
Coding change: c.311T>C on transcript NM_002354.3 (MANE Select); coding-DNA position 311, T replaced by C.
Protein change: p.Leu104Pro; replaces leucine 104 with proline.
Molecular consequence: missense variant.
Genome position (GRCh38, 1-based): chr2:47,373,934, T>C. VCF-style: chr2-47373934-T-C. GRCh37 (hg19) VCF-style: chr2-47601073-T-C.
Other names: short protein forms L104P.
Identifiers: ClinVar variation 4870520 (VCV004870520.1).
Genomic context (GRCh38, chr2:47,373,934, plus strand): 5'-CTGAAGGGGCCCTCCAGAACAATGATGGGCTTTATGATCCTGACTGCGATGAGAGCGGGC[T>C]CTTTAAGGCCAAGCAGTGCAACGGCACCTCCATGTGCTGGTGTGTGAACACTGCTGGGGT-3'
Protein context (NP_002345.2, residues 94-114): LYDPDCDESG[Leu104Pro]FKAKQCNGTS